The following is an entry in ClinVar:

NM_006372.5(SYNCRIP):c.944G>A (p.Gly315Glu)

Gene: SYNCRIP (synaptotagmin binding cytoplasmic RNA interacting protein; minus strand). Cytogenetic location: 6q14.3.
Variant type: single nucleotide variant.
Coding change: c.944G>A on transcript NM_006372.5 (MANE Select); coding-DNA position 944, G replaced by A.
Protein change: p.Gly315Glu; replaces glycine 315 with glutamic acid.
Molecular consequence: missense variant. On other transcripts: intron variant (2).
Genome position (GRCh38, 1-based): chr6:85,622,546, C>T on the plus strand (G>A on the coding strand, the complement: SYNCRIP is on the minus strand). VCF-style: chr6-85622546-C-T. GRCh37 (hg19) VCF-style: chr6-86332264-C-T.
Other names: c.650G>A, p.Gly217Glu (NM_001159673.2, NM_001410938.1, NM_001439159.1); c.944G>A, p.Gly315Glu (NM_001159676.2, NM_001159677.2, NM_001439158.1 and 3 more transcripts); c.488G>A, p.Gly163Glu (NM_001253771.2); c.903+41G>A (NM_001159674.2, NM_001159675.2); short protein forms G217E, G315E, G163E.
Identifiers: ClinVar variation 2771862 (VCV002771862.3), dbSNP rs2537802636, ClinGen allele CA364904356.

ClinVar aggregate classification (germline): Uncertain significance (1 of 4 stars; one submission).

Submission:

Labcorp Genetics (formerly Invitae), Labcorp
Classification: Uncertain significance. Last evaluated: 2023-10-26. Review status: criteria provided, single submitter. Criteria: Invitae Variant Classification Sherloc (09022015). Collection method: clinical testing. Allele origin: germline.
Comment: This sequence change replaces glycine, which is neutral and non-polar, with glutamic acid, which is acidic and polar, at codon 217 of the SYNCRIP protein (p.Gly217Glu). This variant is not present in population databases (gnomAD no frequency). This variant has not been reported in the literature in individuals affected with SYNCRIP-related conditions. Experimental studies and prediction algorithms are not available or were not evaluated, and the functional significance of this variant is currently unknown. In summary, the available evidence is currently insufficient to determine the role of this variant in disease. Therefore, it has been classified as a Variant of Uncertain Significance.